The following is an entry in ClinVar:

NM_002693.3(POLG):c.2125C>G (p.Arg709Gly)

Gene: POLG (DNA polymerase gamma, catalytic subunit; minus strand). Cytogenetic location: 15q26.1.
Variant type: single nucleotide variant.
Coding change: c.2125C>G on transcript NM_002693.3 (MANE Select); coding-DNA position 2125, C replaced by G.
Protein change: p.Arg709Gly; replaces arginine 709 with glycine.
Molecular consequence: missense variant.
Genome position (GRCh38, 1-based): chr15:89,323,847, G>C on the plus strand (C>G on the coding strand, the complement: POLG is on the minus strand). VCF-style: chr15-89323847-G-C. GRCh37 (hg19) VCF-style: chr15-89867078-G-C.
Other names: c.2125C>G, p.Arg709Gly (NM_001126131.2); short protein forms R709G.
Identifiers: ClinVar variation 578996 (VCV000578996.9), dbSNP rs867038717, ClinGen allele CA393757112.

ClinVar aggregate classification (germline): Uncertain significance (1 of 4 stars; one submission).

Conditions:
Progressive sclerosing poliodystrophy (MTDPS4A). Also called: Mitochondrial DNA depletion syndrome 4A (Alpers type); Mitochondrial DNA Depletion Syndrome 4A; Alpers Syndrome; ALPERS DIFFUSE DEGENERATION OF CEREBRAL GRAY MATTER WITH HEPATIC CIRRHOSIS; Alpers-Huttenlocher Syndrome; ALPERS PROGRESSIVE INFANTILE POLIODYSTROPHY. Identifiers: Orphanet 726, MedGen C0205710, MONDO:0008758, OMIM 203700.

Submission:

Labcorp Genetics (formerly Invitae), Labcorp
Classification: Uncertain significance for Progressive sclerosing poliodystrophy. Last evaluated: 2023-09-11. Review status: criteria provided, single submitter. Criteria: Invitae Variant Classification Sherloc (09022015). Collection method: clinical testing. Allele origin: germline.
Comment: In summary, the available evidence is currently insufficient to determine the role of this variant in disease. Therefore, it has been classified as a Variant of Uncertain Significance. Advanced modeling of protein sequence and biophysical properties (such as structural, functional, and spatial information, amino acid conservation, physicochemical variation, residue mobility, and thermodynamic stability) performed at Invitae indicates that this missense variant is not expected to disrupt POLG protein function. ClinVar contains an entry for this variant (Variation ID: 578996). This variant has not been reported in the literature in individuals affected with POLG-related conditions. This variant is not present in population databases (gnomAD no frequency). This sequence change replaces arginine, which is basic and polar, with glycine, which is neutral and non-polar, at codon 709 of the POLG protein (p.Arg709Gly).